The following is an entry in ClinVar:

ClinVar aggregate classification (germline): Uncertain significance. Review status: criteria provided, multiple submitters, no conflicts (2 of 4 stars). 3 submissions from 3 submitters: Uncertain significance (3). Last evaluated 2025-08-30.

Conditions:
Inborn genetic diseases. Identifiers: MedGen C0950123, MeSH D030342.
Chondrosarcoma. Also called: Chondrosarcoma, somatic. Identifiers: Orphanet 55880, MedGen C0008479, MONDO:0008977, OMIM 215300, HP:0006765.
Multiple congenital exostosis (EXT). Also called: Multiple osteochondromas; MULTIPLE CARTILAGINOUS EXOSTOSES; Hereditary multiple osteochondromas; Hereditary multiple exostoses; Hereditary multiple exostosis; Multiple exostoses. Identifiers: Orphanet 321, MedGen C0015306, MONDO:0005508, HP:0002762.

gnomAD v4.1: 9 of 1,613,810 alleles (0.00056%); highest among the groups gnomAD compares: African/African-American, 0.0013%; no homozygotes.

Submissions (3):

Ambry Genetics
Classification: Uncertain significance for Inborn genetic diseases. Last evaluated: 2025-08-30. Review status: criteria provided, single submitter. Criteria: Ambry Variant Classification Scheme 2023. Collection method: clinical testing. Allele origin: germline.

Labcorp Genetics (formerly Invitae), Labcorp
Classification: Uncertain significance for Multiple congenital exostosis. Last evaluated: 2025-06-16. Review status: criteria provided, single submitter. Criteria: Invitae Variant Classification Sherloc (09022015). Collection method: clinical testing. Allele origin: germline.
Comment: This sequence change replaces alanine, which is neutral and non-polar, with threonine, which is neutral and polar, at codon 689 of the EXT1 protein (p.Ala689Thr). This variant is present in population databases (no rsID available, gnomAD 0.0009%). This variant has not been reported in the literature in individuals affected with EXT1-related conditions. ClinVar contains an entry for this variant (Variation ID: 2675171). Invitae Evidence Modeling of protein sequence and biophysical properties (such as structural, functional, and spatial information, amino acid conservation, physicochemical variation, residue mobility, and thermodynamic stability) has been performed for this missense variant. However, the output from this modeling did not meet the statistical confidence thresholds required to predict the impact of this variant on EXT1 protein function. In summary, the available evidence is currently insufficient to determine the role of this variant in disease. Therefore, it has been classified as a Variant of Uncertain Significance.

Baylor Genetics
Classification: Uncertain significance for Chondrosarcoma. Last evaluated: 2023-07-11. Review status: criteria provided, single submitter. Criteria: ACMG Guidelines, 2015. Collection method: clinical testing. Allele origin: unknown.

NM_000127.3(EXT1):c.2065G>A (p.Ala689Thr)

Gene: EXT1 (exostosin glycosyltransferase 1; minus strand). Cytogenetic location: 8q24.11.
Variant type: single nucleotide variant.
Coding change: c.2065G>A on transcript NM_000127.3 (MANE Select); coding-DNA position 2065, G replaced by A.
Protein change: p.Ala689Thr; replaces alanine 689 with threonine.
Molecular consequence: missense variant.
Genome position (GRCh38, 1-based): chr8:117,799,888, C>T on the plus strand (G>A on the coding strand, the complement: EXT1 is on the minus strand). VCF-style: chr8-117799888-C-T. GRCh37 (hg19) VCF-style: chr8-118812127-C-T.
Other names: short protein forms A689T.
Identifiers: ClinVar variation 2675171 (VCV002675171.3), dbSNP rs1336352739, ClinGen allele CA371890339.